The following is an entry in ClinVar:

ClinVar aggregate classification (germline): Pathogenic (1 of 4 stars; one submission).

Conditions:
Perrault syndrome. Also called: Gonadal dysgenesis with auditory dysfunction, autosomal recessive inheritance. Identifiers: Orphanet 2855, MedGen C0685838, MONDO:0017312.
Bifunctional peroxisomal enzyme deficiency (DBIF). Also called: PBFE DEFICIENCY; D-bifunctional protein deficiency; DBP DEFICIENCY. Identifiers: Orphanet 300, MedGen C0342870, MONDO:0009855, OMIM 261515. Disease mechanism: loss of function.

Submission:

Labcorp Genetics (formerly Invitae), Labcorp
Classification: Pathogenic for Perrault syndrome; Bifunctional peroxisomal enzyme deficiency. Last evaluated: 2021-02-21. Review status: criteria provided, single submitter. Criteria: Invitae Variant Classification Sherloc (09022015). Collection method: clinical testing. Allele origin: germline.
Comment: This sequence change creates a premature translational stop signal (p.Gly570*) in the HSD17B4 gene. It is expected to result in an absent or disrupted protein product. Loss-of-function variants in HSD17B4 are known to be pathogenic (PMID: 11810648, 16385454). This variant is not present in population databases (ExAC no frequency). This variant has not been reported in the literature in individuals with HSD17B4-related conditions. For these reasons, this variant has been classified as Pathogenic.

Literature cited by the submitters: PubMed 11810648; PubMed 16385454.

NM_000414.4(HSD17B4):c.1708G>T (p.Gly570Ter)

Gene: HSD17B4 (hydroxysteroid 17-beta dehydrogenase 4; plus strand). Cytogenetic location: 5q23.1.
Variant type: single nucleotide variant.
Coding change: c.1708G>T on transcript NM_000414.4 (MANE Select); coding-DNA position 1708, G replaced by T.
Protein change: p.Gly570Ter; replaces glycine 570 with a stop codon.
Molecular consequence: nonsense. On other transcripts: non-coding transcript variant (2).
Genome position (GRCh38, 1-based): chr5:119,527,160, G>T. VCF-style: chr5-119527160-G-T. GRCh37 (hg19) VCF-style: chr5-118862855-G-T.
Other names: c.1783G>T, p.Gly595Ter (NM_001199291.3); c.1654G>T, p.Gly552Ter (NM_001199292.2); c.1636G>T, p.Gly546Ter (NM_001292027.2, NM_001374498.1); c.1288G>T, p.Gly430Ter (NM_001292028.2); c.1699G>T, p.Gly567Ter (NM_001374497.1); c.1381G>T, p.Gly461Ter (NM_001374499.1); c.1267G>T, p.Gly423Ter (NM_001374500.1); c.1297G>T, p.Gly433Ter (NM_001374501.1, NM_001374502.1, NM_001374503.1); short protein forms G423*, G461*, G552*, G430*, G567*, G570*, G433*, G546*.
Identifiers: ClinVar variation 1416308 (VCV001416308.6), dbSNP rs2126880873, ClinGen allele CA360869490.